The following is an entry in ClinVar:

NM_015046.7(SETX):c.7370A>G (p.His2457Arg)

Gene: SETX (senataxin; minus strand). Cytogenetic location: 9q34.13.
Variant type: single nucleotide variant.
Coding change: c.7370A>G on transcript NM_015046.7 (MANE Select); coding-DNA position 7370, A replaced by G.
Protein change: p.His2457Arg; replaces histidine 2457 with arginine.
Molecular consequence: missense variant.
Genome position (GRCh38, 1-based): chr9:132,264,903, T>C on the plus strand (A>G on the coding strand, the complement: SETX is on the minus strand). VCF-style: chr9-132264903-T-C. GRCh37 (hg19) VCF-style: chr9-135140290-T-C.
Other names: c.7370A>G, p.His2457Arg (NM_001351527.2); c.7457A>G, p.His2486Arg (NM_001351528.2); short protein forms H2457R, H2486R.
Identifiers: ClinVar variation 1405367 (VCV001405367.8), dbSNP rs753051382, ClinGen allele CA5296401.
Genomic context (GRCh38, chr9:132,264,903, plus strand): 5'-GGAGGGTGAGTGAGACTTCTCTGCAGCACAGGCTTGAGTTTCAGAATCTTCACTGCATCA[T>C]GTCTATAGTTTTTGTCACAGGTCTTAATAATGGCACCACGCTTCTGAGCATCCTGAATCA-3'
Protein context (NP_055861.3, residues 2447-2467): IIKTCDKNYR[His2457Arg]DAVKILKLKP

ClinVar aggregate classification (germline): Uncertain significance (1 of 4 stars; one submission).

Conditions:
Spinocerebellar ataxia, autosomal recessive, with axonal neuropathy 2 (SCAN2). Also called: Ataxia with Oculomotor Apraxia Type 2; Ataxia-ocular apraxia-2; Ataxia with Oculomotor Apraxia; ATAXIA-OCULOMOTOR APRAXIA 2. Identifiers: Orphanet 64753, MedGen C1853761, MONDO:0018996, OMIM 606002.
Amyotrophic lateral sclerosis type 4 (ALS4). Also called: AMYOTROPHIC LATERAL SCLEROSIS 4, JUVENILE; NEURONOPATHY, DISTAL HEREDITARY MOTOR, WITH PYRAMIDAL FEATURES. Identifiers: Orphanet 357043, MedGen C1865409, MONDO:0011223, OMIM 602433.

Allele frequency attached by ClinVar (database versions not stated): gnomAD exomes below 0.00001; ExAC 0.00001.
gnomAD v4.1: 1 of 1,614,170 alleles (0.000062%); highest among the groups gnomAD compares: Non-Finnish European, 0.000085%; no homozygotes.

Submission:

Labcorp Genetics (formerly Invitae), Labcorp
Classification: Uncertain significance for Amyotrophic lateral sclerosis type 4; Spinocerebellar ataxia, autosomal recessive, with axonal neuropathy 2. Last evaluated: 2021-07-17. Review status: criteria provided, single submitter. Criteria: Invitae Variant Classification Sherloc (09022015). Collection method: clinical testing. Allele origin: germline.
Comment: In summary, the available evidence is currently insufficient to determine the role of this variant in disease. Therefore, it has been classified as a Variant of Uncertain Significance. Advanced modeling of protein sequence and biophysical properties (such as structural, functional, and spatial information, amino acid conservation, physicochemical variation, residue mobility, and thermodynamic stability) performed at Invitae indicates that this missense variant is not expected to disrupt SETX protein function. This variant has not been reported in the literature in individuals affected with SETX-related conditions. The frequency data for this variant in the population databases is considered unreliable, as metrics indicate poor data quality at this position in the ExAC database. This sequence change replaces histidine with arginine at codon 2457 of the SETX protein (p.His2457Arg). The histidine residue is weakly conserved and there is a small physicochemical difference between histidine and arginine.